The following is an entry in ClinVar:

ClinVar aggregate classification (germline): Uncertain significance (1 of 4 stars; one submission).

gnomAD v4.1: 12 of 1,614,078 alleles (0.00074%); highest among the groups gnomAD compares: African/African-American, 0.008%; no homozygotes.

Submission:

GeneDx
Classification: Uncertain significance. Last evaluated: 2025-08-04. Review status: criteria provided, single submitter. Criteria: GeneDx Variant Classification Process June 2021. Collection method: clinical testing. Allele origin: germline. Affected: yes.
Comment: In silico analysis supports that this missense variant has a deleterious effect on protein structure/function; Has not been previously published as pathogenic or benign to our knowledge

NM_005085.4(NUP214):c.5384G>C (p.Gly1795Ala)

Gene: NUP214 (nucleoporin 214; plus strand). Cytogenetic location: 9q34.13.
Variant type: single nucleotide variant.
Coding change: c.5384G>C on transcript NM_005085.4 (MANE Select); coding-DNA position 5384, G replaced by C.
Protein change: p.Gly1795Ala; replaces glycine 1795 with alanine.
Molecular consequence: missense variant.
Genome position (GRCh38, 1-based): chr9:131,198,878, G>C. VCF-style: chr9-131198878-G-C. GRCh37 (hg19) VCF-style: chr9-134074265-G-C.
Other names: c.5354G>C, p.Gly1785Ala (NM_001318324.2); c.1862G>C, p.Gly621Ala (NM_001318325.2); short protein forms G1785A, G1795A, G621A.
Identifiers: ClinVar variation 1315668 (VCV001315668.4), dbSNP rs542840446, ClinGen allele CA375282715.
Genomic context (GRCh38, chr9:131,198,878, plus strand): 5'-CCTCAAGTACCAGTAGCTCCAGTTCCTTCTCATTTGGACAGTCTTCTCCCAACACAGGAG[G>C]GGGGCTGTTTGGCCAAAGCAACGCTCCTGCTTTTGGGCAGAGTCCTGGCTTTGGACAGGG-3'
Protein context (NP_005076.3, residues 1785-1805): SFGQSSPNTG[Gly1795Ala]GLFGQSNAPA